The following is an entry in ClinVar:

ClinVar aggregate classification (germline): Likely benign (1 of 4 stars; one submission).

Conditions:
Nemaline myopathy 7 (NEM7). Also called: Nemaline myopathy 7, autosomal recessive. Identifiers: Orphanet 171436, MedGen C1853154, MONDO:0012538, OMIM 610687.

Allele frequency attached by ClinVar (database versions not stated): gnomAD 0.00016 and 0.00025; gnomAD exomes 0.00031 and 0.00059; ExAC 0.00032; TOPMed 0.00036; 1000 Genomes Project 0.00180; 1000 Genomes Project 30x 0.00187.

Submission:

Illumina Laboratory Services, Illumina
Classification: Likely benign for Nemaline myopathy 7. Last evaluated: 2018-01-13. Review status: criteria provided, single submitter. Criteria: ICSL Variant Classification Criteria 13 December 2019. Collection method: clinical testing. Allele origin: germline.
Comment: This variant was observed in the ICSL laboratory as part of a predisposition screen in an ostensibly healthy population. It had not been previously curated by ICSL or reported in the Human Gene Mutation Database (HGMD: prior to June 1st, 2018), and was therefore a candidate for classification through an automated scoring system. Utilizing variant allele frequency, disease prevalence and penetrance estimates, and inheritance mode, an automated score was calculated to assess if this variant is too frequent to cause the disease. Based on the score and internal cut-off values, a variant classified as likely benign is not then subjected to further curation. The score for this variant resulted in a classification of likely benign for this disease.

NM_138638.5(CFL2):c.*671C>T

Gene: CFL2 (cofilin 2; minus strand). Cytogenetic location: 14q13.1.
Variant type: single nucleotide variant.
Coding change: c.*671C>T on transcript NM_138638.5 (MANE Select); 671 bases downstream of the stop codon, C replaced by T.
Molecular consequence: 3 prime UTR variant. On other transcripts: non-coding transcript variant (2).
Genome position (GRCh38, 1-based): chr14:34,712,194, G>A on the plus strand (C>T on the coding strand, the complement: CFL2 is on the minus strand). VCF-style: chr14-34712194-G-A. GRCh37 (hg19) VCF-style: chr14-35181400-G-A.
Other names: c.*671C>T (NM_001243645.2, NM_021914.8).
Identifiers: ClinVar variation 881818 (VCV000881818.4), dbSNP rs74974539, ClinGen allele CA7152202.
Genomic context (GRCh38, chr14:34,712,194, plus strand): 5'-AATATCTTTAGTGTTGCAGGACTCACATGGTAAACATAAAACTCCTACACTTATTCAGTA[G>A]TGTACACTCAATGGAAAACAAAAAGGCATTAATAACAGCTATTTCTTTTAAGAAGATATG-3'